The following is an entry in ClinVar:

NM_002857.4(PEX19):c.446C>T (p.Ser149Leu)

Gene: PEX19 (peroxisomal biogenesis factor 19; minus strand). Cytogenetic location: 1q23.2.
Variant type: single nucleotide variant.
Coding change: c.446C>T on transcript NM_002857.4 (MANE Select); coding-DNA position 446, C replaced by T.
Protein change: p.Ser149Leu; replaces serine 149 with leucine.
Molecular consequence: missense variant. On other transcripts: non-coding transcript variant (2).
Genome position (GRCh38, 1-based): chr1:160,282,187, G>A on the plus strand (C>T on the coding strand, the complement: PEX19 is on the minus strand). VCF-style: chr1-160282187-G-A. GRCh37 (hg19) VCF-style: chr1-160251977-G-A.
Other names: c.446C>T, p.Ser149Leu (NM_001193644.1); c.446C>T (NM_002857.3); short protein forms S149L.
Identifiers: ClinVar variation 2074707 (VCV002074707.4), dbSNP rs770461028, ClinGen allele CA1197351.

ClinVar aggregate classification (germline): Uncertain significance. Review status: criteria provided, multiple submitters, no conflicts (2 of 4 stars). 2 submissions from 2 submitters: Uncertain significance (2). Last evaluated 2024-10-22.

Conditions:
PEX19-related disorder. Also called: PEX19-related condition.
Peroxisome biogenesis disorder 12A (Zellweger). Also called: Peroxisome biogenesis disorder 12A. Identifiers: Orphanet 912, MedGen C3554002, MONDO:0013951, OMIM 614886.

Allele frequency attached by ClinVar (database versions not stated): ExAC 0.00002.
gnomAD v4.1: 7 of 1,614,070 alleles (0.00043%); highest among the groups gnomAD compares: South Asian, 0.0033%; no homozygotes.

Submissions (2):

Labcorp Genetics (formerly Invitae), Labcorp
Classification: Uncertain significance for Peroxisome biogenesis disorder 12A (Zellweger). Last evaluated: 2024-10-22. Review status: criteria provided, single submitter. Criteria: Invitae Variant Classification Sherloc (09022015). Collection method: clinical testing. Allele origin: germline.
Comment: This sequence change replaces serine, which is neutral and polar, with leucine, which is neutral and non-polar, at codon 149 of the PEX19 protein (p.Ser149Leu). This variant is present in population databases (rs770461028, gnomAD 0.006%). This variant has not been reported in the literature in individuals affected with PEX19-related conditions. ClinVar contains an entry for this variant (Variation ID: 2074707). Invitae Evidence Modeling of protein sequence and biophysical properties (such as structural, functional, and spatial information, amino acid conservation, physicochemical variation, residue mobility, and thermodynamic stability) indicates that this missense variant is not expected to disrupt PEX19 protein function with a negative predictive value of 80%. In summary, the available evidence is currently insufficient to determine the role of this variant in disease. Therefore, it has been classified as a Variant of Uncertain Significance.

PreventionGenetics, part of Exact Sciences
Classification: Uncertain significance for PEX19-related condition. Last evaluated: 2023-05-31. Review status: criteria provided, single submitter. Criteria: ACMG Guidelines, 2015. Collection method: clinical testing. Allele origin: germline.
Comment: The PEX19 c.446C>T variant is predicted to result in the amino acid substitution p.Ser149Leu. To our knowledge, this variant has not been reported in the literature. This variant is reported in 0.0054% of alleles in individuals of East Asian descent in gnomAD. At this time, the clinical significance of this variant is uncertain due to the absence of conclusive functional and genetic evidence.